The following is an entry in ClinVar:

ClinVar aggregate classification (germline): Uncertain significance. Review status: criteria provided, multiple submitters, no conflicts (2 of 4 stars). 2 submissions from 2 submitters: Uncertain significance (2). Last evaluated 2025-11-05.

Conditions:
EGFR-related lung cancer (EGFR). Identifiers: MedGen CN130014.
Hereditary cancer-predisposing syndrome. Also called: Tumor predisposition; Hereditary neoplastic syndrome; Neoplastic Syndromes, Hereditary; Hereditary Cancer Syndrome. Identifiers: Orphanet 140162, MedGen C0027672, MeSH D009386, MONDO:0015356.

Allele frequency attached by ClinVar (database versions not stated): gnomAD exomes 0.00002.
gnomAD v4.1: 23 of 1,614,142 alleles (0.0014%); highest among the groups gnomAD compares: Non-Finnish European, 0.0019%; no homozygotes.

Submissions (2):

Labcorp Genetics (formerly Invitae), Labcorp
Classification: Uncertain significance for EGFR-related lung cancer. Last evaluated: 2025-11-05. Review status: criteria provided, single submitter. Criteria: Invitae Variant Classification Sherloc (09022015). Collection method: clinical testing. Allele origin: germline.
Comment: This sequence change replaces phenylalanine, which is neutral and non-polar, with valine, which is neutral and non-polar, at codon 254 of the EGFR protein (p.Phe254Val). This variant is not present in population databases (gnomAD no frequency). This variant has not been reported in the literature in individuals affected with EGFR-related conditions. ClinVar contains an entry for this variant (Variation ID: 1426720). Invitae Evidence Modeling of protein sequence and biophysical properties (such as structural, functional, and spatial information, amino acid conservation, physicochemical variation, residue mobility, and thermodynamic stability) indicates that this missense variant is not expected to disrupt EGFR protein function with a negative predictive value of 80%. In summary, the available evidence is currently insufficient to determine the role of this variant in disease. Therefore, it has been classified as a Variant of Uncertain Significance.

Ambry Genetics
Classification: Uncertain significance for Hereditary cancer-predisposing syndrome. Last evaluated: 2025-03-15. Review status: criteria provided, single submitter. Criteria: Ambry Variant Classification Scheme 2023. Collection method: clinical testing. Allele origin: germline.
Comment: The p.F254V variant (also known as c.760T>G), located in coding exon 7 of the EGFR gene, results from a T to G substitution at nucleotide position 760. The phenylalanine at codon 254 is replaced by valine, an amino acid with highly similar properties. This amino acid position is conserved. In addition, this alteration is predicted to be deleterious by in silico analysis. Based on the available evidence, the clinical significance of this variant remains unclear.

NM_005228.5(EGFR):c.760T>G (p.Phe254Val)

Gene: EGFR (epidermal growth factor receptor; plus strand). Cytogenetic location: 7p11.2.
Variant type: single nucleotide variant.
Coding change: c.760T>G on transcript NM_005228.5 (MANE Select); coding-DNA position 760, T replaced by G.
Protein change: p.Phe254Val; replaces phenylalanine 254 with valine.
Molecular consequence: missense variant. On other transcripts: intron variant (1).
Genome position (GRCh38, 1-based): chr7:55,154,023, T>G. VCF-style: chr7-55154023-T-G. GRCh37 (hg19) VCF-style: chr7-55221716-T-G.
Other names: c.760T>G (NM_005228.3); c.625T>G, p.Phe209Val (NM_001346897.2, NM_001346899.2); c.760T>G, p.Phe254Val (NM_001346898.2, NM_201282.2, NM_201283.2 and 1 more transcripts); c.601T>G, p.Phe201Val (NM_001346900.2); c.89-1807T>G (NM_001346941.2); short protein forms F201V, F254V, F209V.
Identifiers: ClinVar variation 1426720 (VCV001426720.9), dbSNP rs2128934853, ClinGen allele CA367577611.
Genomic context (GRCh38, chr7:55,154,023, plus strand): 5'-CTGAGTGTACTTACCTCACTTGCCCAGCGTGTCCTCTCTCCTCCATAGGTCTGCCGCAAA[T>G]TCCGAGACGAAGCCACGTGCAAGGACACCTGCCCCCCACTCATGCTCTACAACCCCACCA-3'
Protein context (NP_005219.2, residues 244-264): RESDCLVCRK[Phe254Val]RDEATCKDTC